The following is an entry in ClinVar:

ClinVar aggregate classification (germline): Uncertain significance (1 of 4 stars; one submission).

Submission:

Labcorp Genetics (formerly Invitae), Labcorp
Classification: Uncertain significance. Last evaluated: 2022-03-04. Review status: criteria provided, single submitter. Criteria: Invitae Variant Classification Sherloc (09022015). Collection method: clinical testing. Allele origin: germline.
Comment: In summary, the available evidence is currently insufficient to determine the role of this variant in disease. Therefore, it has been classified as a Variant of Uncertain Significance. Experimental studies and prediction algorithms are not available or were not evaluated, and the functional significance of this variant is currently unknown. This variant has not been reported in the literature in individuals affected with ERBB2-related conditions. This variant is a gross deletion of the genomic region encompassing exon(s) 20-27 of the ERBB2 gene, which includes the termination codon. This deletion extends beyond the assayed region for this gene and therefore may encompass additional genes. While this deletion is not anticipated to lead to nonsense mediated decay, it is expected to alter mRNA translation or result in a truncated protein product.

NC_000017.10:g.(?_37880959)_(37884297_?)del

Gene: ERBB2 (erb-b2 receptor tyrosine kinase 2; plus strand). Cytogenetic location: 17q12.
Variant type: Deletion.
Identifiers: ClinVar variation 2425117 (VCV002425117.4).